The following is an entry in ClinVar:

NM_001134363.3(RBM20):c.719A>G (p.Tyr240Cys)

Gene: RBM20 (RNA binding motif protein 20; plus strand). Cytogenetic location: 10q25.2.
Variant type: single nucleotide variant.
Coding change: c.719A>G on transcript NM_001134363.3 (MANE Select); coding-DNA position 719, A replaced by G.
Protein change: p.Tyr240Cys; replaces tyrosine 240 with cysteine.
Molecular consequence: missense variant.
Genome position (GRCh38, 1-based): chr10:110,781,328, A>G. VCF-style: chr10-110781328-A-G. GRCh37 (hg19) VCF-style: chr10-112541086-A-G.
Other names: short protein forms Y240C.
Identifiers: ClinVar variation 2806784 (VCV002806784.3), dbSNP rs2493411418, ClinGen allele CA378382552.

ClinVar aggregate classification (germline): Uncertain significance (1 of 4 stars; one submission).

Conditions:
Dilated cardiomyopathy 1DD (CMD1DD). Identifiers: Orphanet 154, MedGen C2750995, MONDO:0013168, OMIM 613172.

Allele frequency attached by ClinVar (database versions not stated): gnomAD exomes below 0.00001.
gnomAD v4.1: 1 of 1,551,696 alleles (0.000064%); highest among the groups gnomAD compares: Non-Finnish European, 0.000087%; no homozygotes.

Submission:

Labcorp Genetics (formerly Invitae), Labcorp
Classification: Uncertain significance for Dilated cardiomyopathy 1DD. Last evaluated: 2023-12-19. Review status: criteria provided, single submitter. Criteria: Invitae Variant Classification Sherloc (09022015). Collection method: clinical testing. Allele origin: germline.
Comment: This sequence change replaces tyrosine, which is neutral and polar, with cysteine, which is neutral and slightly polar, at codon 240 of the RBM20 protein (p.Tyr240Cys). This variant is not present in population databases (gnomAD no frequency). This variant has not been reported in the literature in individuals affected with RBM20-related conditions. Advanced modeling of protein sequence and biophysical properties (such as structural, functional, and spatial information, amino acid conservation, physicochemical variation, residue mobility, and thermodynamic stability) performed at Invitae indicates that this missense variant is not expected to disrupt RBM20 protein function with a negative predictive value of 95%. In summary, the available evidence is currently insufficient to determine the role of this variant in disease. Therefore, it has been classified as a Variant of Uncertain Significance.